The following is an entry in ClinVar:

ClinVar aggregate classification (germline): Benign/Likely benign. Review status: criteria provided, multiple submitters, no conflicts (2 of 4 stars). 12 submissions from 12 submitters: Benign (6); Likely benign (5). 1 of the submissions does not count toward it. Last evaluated 2026-09-01.

Conditions:
Microcephalic osteodysplastic primordial dwarfism type II (MOPD2). Also called: MOPD II; Microcephalic osteodysplastic primordial dwarfism with tooth abnormalities; OSTEODYSPLASTIC PRIMORDIAL DWARFISM, TYPE II. Identifiers: Orphanet 2637, MedGen C0432246, MONDO:0008872, OMIM 210720.

Allele frequency attached by ClinVar (database versions not stated): 1000 Genomes Project 30x 0.00375; 1000 Genomes Project 0.00379; ExAC 0.00675; gnomAD exomes 0.00699 and 0.01121; TOPMed 0.00719; gnomAD 0.00731 and 0.00733; ESP Exome Variant Server 0.01084.
gnomAD v4.1: 17,327 of 1,614,008 alleles (1.1%); highest among the groups gnomAD compares: Non-Finnish European, 1.3%; 130 homozygotes.

Submissions (12):

CeGaT Center for Human Genetics Tuebingen
Classification: Benign. Last evaluated: 2026-09-01. Review status: criteria provided, single submitter. Criteria: CeGaT Center For Human Genetics Tuebingen Variant Classification Criteria Version 2. Collection method: clinical testing. Allele origin: germline. Affected: yes. Observed: 14 variant alleles.
Comment: PCNT: BP4, BS1, BS2

Labcorp Genetics (formerly Invitae), Labcorp
Classification: Benign. Last evaluated: 2026-01-28. Review status: criteria provided, single submitter. Criteria: Invitae Variant Classification Sherloc (09022015). Collection method: clinical testing. Allele origin: germline.

ARUP Laboratories, Molecular Genetics and Genomics, ARUP Laboratories
Classification: Benign for Microcephalic osteodysplastic primordial dwarfism type II. Last evaluated: 2025-02-26. Review status: criteria provided, single submitter. Criteria: ARUP Molecular Germline Variant Investigation Process 2024. Collection method: clinical testing. Allele origin: germline.

Illumina Laboratory Services, Illumina
Classification: Likely benign for Microcephalic osteodysplastic primordial dwarfism type II. Last evaluated: 2018-01-13. Review status: criteria provided, single submitter. Criteria: ICSL Variant Classification Criteria 13 December 2019. Collection method: clinical testing. Allele origin: germline.
Comment: This variant was observed in the ICSL laboratory as part of a predisposition screen in an ostensibly healthy population. It had not been previously curated by ICSL or reported in the Human Gene Mutation Database (HGMD: prior to June 1st, 2018), and was therefore a candidate for classification through an automated scoring system. Utilizing variant allele frequency, disease prevalence and penetrance estimates, and inheritance mode, an automated score was calculated to assess if this variant is too frequent to cause the disease. Based on the score and internal cut-off values, a variant classified as likely benign is not then subjected to further curation. The score for this variant resulted in a classification of likely benign for this disease.

Clinical Genetics DNA and cytogenetics Diagnostics Lab, Erasmus MC, Erasmus Medical Center
Classification: Likely benign for Microcephalic osteodysplastic primordial dwarfism type II. Last evaluated: 2017-05-31. Review status: criteria provided, single submitter. Criteria: ACGS Guidelines, 2013. Collection method: clinical testing. Allele origin: germline. Affected: yes. Study: VKGL Data-share Consensus.

Center for Pediatric Genomic Medicine, Children's Mercy Hospital and Clinics
Classification: Likely benign. Last evaluated: 2016-12-01. Review status: criteria provided, single submitter. Criteria: ACMG Guidelines, 2015. Collection method: clinical testing. Allele origin: germline.
ClinVar note: Converted during submission from Likely Benign to Likely benign.

Eurofins Ntd Llc (ga)
Classification: Benign. Last evaluated: 2016-11-15. Review status: criteria provided, single submitter. Criteria: EGL Classification Definitions 2015. Collection method: clinical testing. Allele origin: germline. Observed: 1 variant allele, 1 heterozygote.

Genome Diagnostics Laboratory, University Medical Center Utrecht
Classification: Likely benign for Microcephalic osteodysplastic primordial dwarfism type II. Last evaluated: 2015-10-08. Review status: criteria provided, single submitter. Criteria: ACGS Guidelines, 2013. Collection method: clinical testing. Allele origin: germline. Affected: yes. Study: VKGL Data-share Consensus.

GeneDx
Classification: Benign. Last evaluated: 2014-02-04. Review status: criteria provided, single submitter. Criteria: GeneDx Variant Classification (06012015). Collection method: clinical testing. Allele origin: germline. Affected: yes.
Comment: This variant is considered likely benign or benign based on one or more of the following criteria: it is a conservative change, it occurs at a poorly conserved position in the protein, it is predicted to be benign by multiple in silico algorithms, and/or has population frequency not consistent with disease.

Genetic Services Laboratory, University of Chicago
Classification: Benign. Last evaluated: 2013-02-08. Review status: criteria provided, single submitter. Criteria: ACMG Guidelines, 2007. Collection method: clinical testing. Allele origin: germline. Inheritance: Autosomal recessive inheritance.

Breakthrough Genomics
Classification: Likely benign. Review status: criteria provided, single submitter. Criteria: ACMG Guidelines, 2015. Collection method: not provided. Allele origin: germline. Inheritance: Autosomal recessive inheritance. Affected: yes.

Laboratory of Diagnostic Genome Analysis, Leiden University Medical Center (LUMC)
Classification: Likely benign. Review status: no assertion criteria provided. Collection method: clinical testing. Allele origin: germline. Affected: yes. Study: VKGL Data-share Consensus. Not counted in ClinVar's aggregate classification.

NM_006031.6(PCNT):c.8671G>A (p.Ala2891Thr)

Gene: PCNT (pericentrin; plus strand). Cytogenetic location: 21q22.3.
Variant type: single nucleotide variant.
Coding change: c.8671G>A on transcript NM_006031.6 (MANE Select); coding-DNA position 8671, G replaced by A.
Protein change: p.Ala2891Thr; replaces alanine 2891 with threonine.
Molecular consequence: missense variant. On other transcripts: intron variant (1).
Genome position (GRCh38, 1-based): chr21:46,432,135, G>A. VCF-style: chr21-46432135-G-A. GRCh37 (hg19) VCF-style: chr21-47852049-G-A.
Other names: p.A2891T:GCG>ACG; c.8160+157G>A (NM_001315529.2); short protein forms A2891T.
Identifiers: ClinVar variation 138611 (VCV000138611.60), dbSNP rs33956783, ClinGen allele CA173125.